The following is an entry in ClinVar:

NM_002474.3(MYH11):c.4926A>G (p.Glu1642=)

Genes: MYH11 (myosin heavy chain 11; minus strand), NDE1 (nudE neurodevelopment protein 1; plus strand). Cytogenetic location: 16p13.11.
Variant type: single nucleotide variant.
Coding change: c.4926A>G on transcript NM_002474.3 (MANE Select); coding-DNA position 4926, A replaced by G.
Protein change: p.Glu1642=; no amino-acid change (glutamic acid 1642 retained).
Molecular consequence: synonymous variant. On other transcripts: intron variant (2).
Genome position (GRCh38, 1-based): chr16:15,720,178, T>C on the plus strand (A>G on the coding strand, the complement: MYH11 is on the minus strand). VCF-style: chr16-15720178-T-C. GRCh37 (hg19) VCF-style: chr16-15814035-T-C.
Other names: c.4947A>G, p.Glu1649= (NM_001040113.2, NM_001040114.2); c.4926A>G, p.Glu1642= (NM_022844.3); c.948-4013T>C (NM_001143979.2, NM_017668.3).
Identifiers: ClinVar variation 920892 (VCV000920892.5), dbSNP rs1264579700, ClinGen allele CA493756153.
Genomic context (GRCh38, chr16:15,720,178, plus strand): 5'-CCACCCATGCCCCAAGCTCCTAGTGTCACCCACCTGCAGTTTGCGTAGCTGCTTGATGGC[T>C]TCCTCCCTCCCCTTGATGGCAGAGTCGGCCTGAAGCTCCAGGTCTTTCAGGTCCCCTTCC-3'
Protein context (NP_002465.1, residues 1632-1652): QADSAIKGRE[Glu1642=]AIKQLRKLQA

ClinVar aggregate classification (germline): Likely benign. Review status: criteria provided, multiple submitters, no conflicts (2 of 4 stars). 3 submissions from 3 submitters: Likely benign (3). Last evaluated 2023-06-15.

Conditions:
Familial thoracic aortic aneurysm and aortic dissection (TAAD). Also called: Thoracic aortic aneurysms and dissections. Identifiers: Orphanet 91387, MedGen C4707243, MONDO:0019625.

Allele frequency attached by ClinVar (database versions not stated): gnomAD exomes below 0.00001; TOPMed below 0.00001; gnomAD 0.00001.
gnomAD v4.1: 5 of 1,613,986 alleles (0.00031%); highest among the groups gnomAD compares: African/African-American, 0.0013%; no homozygotes.

Submissions (3):

All of Us Research Program, National Institutes of Health
Classification: Likely benign for Familial thoracic aortic aneurysm and aortic dissection. Last evaluated: 2023-06-15. Review status: criteria provided, single submitter. Criteria: ACMG Guidelines, 2015. Collection method: clinical testing. Allele origin: germline. Inheritance: Autosomal dominant inheritance. Observed: 2 variant alleles, 2 heterozygotes.
Comment: This study involves interpretation of variants in research participants for the purpose of population health screening. Participant phenotype was not available at the time of variant classification. Additional details can be found in publication PMID: 35346344, PMCID: PMC8962531

Ambry Genetics
Classification: Likely benign for Familial thoracic aortic aneurysm and aortic dissection. Last evaluated: 2021-06-14. Review status: criteria provided, single submitter. Criteria: Ambry Variant Classification Scheme 2023. Collection method: clinical testing. Allele origin: germline.

Color Diagnostics, LLC DBA Color Health
Classification: Likely benign for Familial thoracic aortic aneurysm and aortic dissection. Last evaluated: 2019-08-02. Review status: criteria provided, single submitter. Criteria: ACMG Guidelines, 2015. Collection method: clinical testing. Allele origin: germline.